The following is an entry in ClinVar:

NM_024426.6(WT1):c.635A>G (p.Glu212Gly)

Genes: WT1 (WT1 transcription factor; minus strand), LOC107982234 (WT1/WT1-AS bi-directional promoter region; plus strand). Cytogenetic location: 11p13.
Variant type: single nucleotide variant.
Coding change: c.635A>G on transcript NM_024426.6 (MANE Select); coding-DNA position 635, A replaced by G.
Protein change: p.Glu212Gly; replaces glutamic acid 212 with glycine.
Molecular consequence: missense variant. On other transcripts: non-coding transcript variant (1).
Genome position (GRCh38, 1-based): chr11:32,434,726, T>C on the plus strand (A>G on the coding strand, the complement: WT1 is on the minus strand). VCF-style: chr11-32434726-T-C. GRCh37 (hg19) VCF-style: chr11-32456272-T-C.
Other names: c.635A>G, p.Glu212Gly (NM_000378.6, NM_024424.5); short protein forms E212G.
Identifiers: ClinVar variation 1478186 (VCV001478186.8), dbSNP rs2133101294, ClinGen allele CA379964466.

ClinVar aggregate classification (germline): Uncertain significance (1 of 4 stars; one submission).

Conditions:
Frasier syndrome. Identifiers: Orphanet 347, MedGen C0950122, MeSH D052159, MONDO:0007635, OMIM 136680.
Drash syndrome (DDS). Also called: WILMS TUMOR AND PSEUDO- OR TRUE HERMAPHRODITISM; NEPHROPATHY, WILMS TUMOR, AND GENITAL ANOMALIES. Identifiers: Orphanet 220, MedGen C0950121, MONDO:0008682, OMIM 194080.
Wilms tumor 1 (WT1). Also called: Wilms tumor, somatic. Identifiers: Orphanet 654, MedGen CN033288, MONDO:0008679, OMIM 194070.
11p partial monosomy syndrome (WAGR). Also called: WAGR Complex; WAGR Spectrum Disorder; WAGR syndrome; CHROMOSOME 11p13 DELETION SYNDROME. Identifiers: Orphanet 893, MedGen C0206115, MONDO:0008681, OMIM 194072.

Submission:

Labcorp Genetics (formerly Invitae), Labcorp
Classification: Uncertain significance for Wilms tumor 1; Drash syndrome; 11p partial monosomy syndrome; Frasier syndrome. Last evaluated: 2021-01-18. Review status: criteria provided, single submitter. Criteria: Invitae Variant Classification Sherloc (09022015). Collection method: clinical testing. Allele origin: germline.
Comment: This variant has not been reported in the literature in individuals with WT1-related conditions. Algorithms developed to predict the effect of missense changes on protein structure and function are either unavailable or do not agree on the potential impact of this missense change (SIFT: "Deleterious"; PolyPhen-2: "Benign"; Align-GVGD: "Class C15"). In summary, the available evidence is currently insufficient to determine the role of this variant in disease. Therefore, it has been classified as a Variant of Uncertain Significance. This variant is not present in population databases (ExAC no frequency). This sequence change replaces glutamic acid with glycine at codon 207 of the WT1 protein (p.Glu207Gly). The glutamic acid residue is highly conserved and there is a moderate physicochemical difference between glutamic acid and glycine.